The following is an entry in ClinVar:

NM_002292.4(LAMB2):c.4751A>G (p.Glu1584Gly)

Gene: LAMB2 (laminin subunit beta 2; minus strand). Cytogenetic location: 3p21.31.
Variant type: single nucleotide variant.
Coding change: c.4751A>G on transcript NM_002292.4 (MANE Select); coding-DNA position 4751, A replaced by G.
Protein change: p.Glu1584Gly; replaces glutamic acid 1584 with glycine.
Molecular consequence: missense variant.
Genome position (GRCh38, 1-based): chr3:49,122,193, T>C on the plus strand (A>G on the coding strand, the complement: LAMB2 is on the minus strand). VCF-style: chr3-49122193-T-C. GRCh37 (hg19) VCF-style: chr3-49159626-T-C.
Other names: short protein forms E1584G.
Identifiers: ClinVar variation 472488 (VCV000472488.5), dbSNP rs768491835, ClinGen allele CA2393715.
Genomic context (GRCh38, chr3:49,122,193, plus strand): 5'-CAGGGATAGGGGCCAGGGATGGGGTCAGACCTTGCCCGCCGTGCATCCTGCAGTAGCTGC[T>C]CGGCACGACGCACATCTCCTACAGTACGTGCCAGGATCGCATCCACATCTGCCAGGCTCC-3'
Protein context (NP_002283.3, residues 1574-1594): ARTVGDVRRA[Glu1584Gly]QLLQDARRAR

ClinVar aggregate classification (germline): Uncertain significance (1 of 4 stars; one submission).

Conditions:
Pierson syndrome. Also called: MICROCORIA-CONGENITAL NEPHROTIC SYNDROME. Identifiers: Orphanet 2670, MedGen C1836876, MONDO:0012184, OMIM 609049.
LAMB2-related infantile-onset nephrotic syndrome. Also called: NEPHROTIC SYNDROME, TYPE 5, WITHOUT OCULAR ABNORMALITIES; NEPHROTIC SYNDROME, TYPE 5, WITH OCULAR ABNORMALITIES; Nephrotic Syndrome, type 5. Identifiers: Orphanet 306507, MedGen C3280113, MONDO:0013621, OMIM 614199.

Allele frequency attached by ClinVar (database versions not stated): gnomAD exomes below 0.00001; ExAC 0.00001.

Submission:

Labcorp Genetics (formerly Invitae), Labcorp
Classification: Uncertain significance for LAMB2-related infantile-onset nephrotic syndrome; Pierson syndrome. Last evaluated: 2016-12-21. Review status: criteria provided, single submitter. Criteria: Invitae Variant Classification Sherloc (09022015). Collection method: clinical testing. Allele origin: germline.
Comment: This variant is present in population databases (rs768491835, ExAC 0.009%) but has not been reported in the literature in individuals with a LAMB2-related disease. This sequence change replaces glutamic acid with glycine at codon 1584 of the LAMB2 protein (p.Glu1584Gly). The glutamic acid residue is highly conserved and there is a moderate physicochemical difference between glutamic acid and glycine. Algorithms developed to predict the effect of missense changes on protein structure and function (SIFT, PolyPhen-2, Align-GVGD) all suggest that this variant is likely to be tolerated, but these predictions have not been confirmed by published functional studies. In summary, this variant is a rare missense change that is not predicted to affect protein function. There is no indication that it causes disease, but the available evidence is currently insufficient to prove that conclusively. Therefore, it has been classified as a Variant of Uncertain Significance.